The following is an entry in ClinVar:

ClinVar aggregate classification (germline): Pathogenic (1 of 4 stars; one submission).

Conditions:
Neurodegeneration with brain iron accumulation 5 (NBIA5). Also called: STATIC ENCEPHALOPATHY OF CHILDHOOD WITH NEURODEGENERATION IN ADULTHOOD; Beta-propeller protein-associated neurodegeneration. Identifiers: Orphanet 329284, MedGen C3550973, MONDO:0010476, OMIM 300894.

Submission:

Labcorp Genetics (formerly Invitae), Labcorp
Classification: Pathogenic for Neurodegeneration with brain iron accumulation 5. Last evaluated: 2019-09-21. Review status: criteria provided, single submitter. Criteria: Invitae Variant Classification Sherloc (09022015). Collection method: clinical testing. Allele origin: germline.
Comment: This sequence change results in a premature translational stop signal in the WDR45 gene (p.Tyr336*). While this is not anticipated to result in nonsense mediated decay, it is expected to disrupt the last 26 amino acids of the WDR45 protein. This variant is not present in population databases (ExAC no frequency). For these reasons, this variant has been classified as Pathogenic. This variant disrupts the C-terminus of the WDR45 protein. Other variant(s) that disrupt this region (p.Tyr336Cysfs*5) have been determined to be pathogenic (PMID: 23176820). This suggests that variants that disrupt this region of the protein are likely to be causative of disease. Algorithms developed to predict the effect of sequence changes on RNA splicing suggest that this variant may create or strengthen a splice site, but this prediction has not been confirmed by published transcriptional studies. This variant has not been reported in the literature in individuals with WDR45-related conditions.

Literature cited by the submitters: PubMed 23176820.

NM_001029896.2(WDR45):c.1005T>G (p.Tyr335Ter)

Gene: WDR45 (WD repeat domain 45; minus strand). Cytogenetic location: Xp11.23.
Variant type: single nucleotide variant.
Coding change: c.1005T>G on transcript NM_001029896.2 (MANE Select); coding-DNA position 1005, T replaced by G.
Protein change: p.Tyr335Ter; replaces tyrosine 335 with a stop codon.
Molecular consequence: nonsense.
Genome position (GRCh38, 1-based): chrX:49,074,881, A>C on the plus strand (T>G on the coding strand, the complement: WDR45 is on the minus strand). VCF-style: chrX-49074881-A-C. GRCh37 (hg19) VCF-style: chrX-48932540-A-C.
Other names: c.1008T>G, p.Tyr336Ter (NM_007075.4); short protein forms Y336*, Y335*.
Identifiers: ClinVar variation 935908 (VCV000935908.9), dbSNP rs781972464, ClinGen allele CA412941470.